The following is an entry in ClinVar:

ClinVar aggregate classification (germline): Uncertain significance. Review status: criteria provided, multiple submitters, no conflicts (2 of 4 stars). 3 submissions from 3 submitters: Uncertain significance (3). Last evaluated 2026-07-01.

Allele frequency attached by ClinVar (database versions not stated): gnomAD exomes below 0.00001; gnomAD 0.00001; TOPMed 0.00001.
gnomAD v4.1: 6 of 1,209,136 alleles (0.0005%); highest among the groups gnomAD compares: East Asian, 0.003%; no homozygotes.

Submissions (3):

CeGaT Center for Human Genetics Tuebingen
Classification: Uncertain significance. Last evaluated: 2026-07-01. Review status: criteria provided, single submitter. Criteria: CeGaT Center For Human Genetics Tuebingen Variant Classification Criteria Version 2. Collection method: clinical testing. Allele origin: germline. Affected: yes. Observed: 1 variant allele.

Labcorp Genetics (formerly Invitae), Labcorp
Classification: Uncertain significance. Last evaluated: 2024-11-11. Review status: criteria provided, single submitter. Criteria: Invitae Variant Classification Sherloc (09022015). Collection method: clinical testing. Allele origin: germline.
Comment: This sequence change replaces arginine, which is basic and polar, with cysteine, which is neutral and slightly polar, at codon 678 of the FRMD7 protein (p.Arg678Cys). The frequency data for this variant in the population databases is considered unreliable, as metrics indicate poor data quality at this position in the gnomAD database. This variant has not been reported in the literature in individuals affected with FRMD7-related conditions. ClinVar contains an entry for this variant (Variation ID: 1902750). An algorithm developed to predict the effect of missense changes on protein structure and function (PolyPhen-2) suggests that this variant is likely to be disruptive. In summary, the available evidence is currently insufficient to determine the role of this variant in disease. Therefore, it has been classified as a Variant of Uncertain Significance.

Blueprint Genetics
Classification: Uncertain significance. Last evaluated: 2023-07-07. Review status: criteria provided, single submitter. Criteria: ACMG Guidelines, 2015. Collection method: clinical testing. Allele origin: germline.

NM_194277.3(FRMD7):c.2032C>T (p.Arg678Cys)

Gene: FRMD7 (FERM domain containing 7; minus strand). Cytogenetic location: Xq26.2.
Variant type: single nucleotide variant.
Coding change: c.2032C>T on transcript NM_194277.3 (MANE Select); coding-DNA position 2032, C replaced by T.
Protein change: p.Arg678Cys; replaces arginine 678 with cysteine.
Molecular consequence: missense variant.
Genome position (GRCh38, 1-based): chrX:132,077,985, G>A on the plus strand (C>T on the coding strand, the complement: FRMD7 is on the minus strand). VCF-style: chrX-132077985-G-A. GRCh37 (hg19) VCF-style: chrX-131212013-G-A.
Other names: c.1987C>T, p.Arg663Cys (NM_001306193.2); short protein forms R663C, R678C.
Identifiers: ClinVar variation 1902750 (VCV001902750.8), dbSNP rs1213344421, ClinGen allele CA414677756.
Genomic context (GRCh38, chrX:132,077,985, plus strand): 5'-GTGTGTTGAAATAAGCATCTTCATCTTCTTCATCTAACTGTAGACTACCAGAAGACAGGC[G>A]GATTCTGGCCATGGGTGACCTTATTTCTTTGCCATACAAAGCATAGTAGTCTGGTTTAAG-3'
Protein context (NP_919253.1, residues 668-688): KEIRSPMARI[Arg678Cys]LSSGSLQLDE